The following is an entry in ClinVar:

NM_007327.4(GRIN1):c.2700G>A (p.Thr900=)

Gene: GRIN1 (glutamate ionotropic receptor NMDA type subunit 1; plus strand). Cytogenetic location: 9q34.3.
Variant type: single nucleotide variant.
Coding change: c.2700G>A on transcript NM_007327.4 (MANE Select); coding-DNA position 2700, G replaced by A.
Protein change: p.Thr900=; no amino-acid change (threonine 900 retained).
Molecular consequence: synonymous variant. On other transcripts: intron variant (3).
Genome position (GRCh38, 1-based): chr9:137,165,296, G>A. VCF-style: chr9-137165296-G-A. GRCh37 (hg19) VCF-style: chr9-140059748-G-A.
Other names: c.2763G>A, p.Thr921= (NM_001185090.2); c.2652+1392G>A (NM_001185091.2); c.2589+1392G>A (NM_021569.4, NM_000832.7).
Identifiers: ClinVar variation 654631 (VCV000654631.7), dbSNP rs1588739764, ClinGen allele CA467778094.

ClinVar aggregate classification (germline): Uncertain significance (1 of 4 stars; one submission).

Conditions:
Neurodevelopmental disorder with or without hyperkinetic movements and seizures, autosomal dominant. Also called: Intellectual disability, autosomal dominant 8. Identifiers: MedGen C3280282, MONDO:0013655, OMIM 614254.

Allele frequency attached by ClinVar (database versions not stated): gnomAD 0.00001.

Submission:

Labcorp Genetics (formerly Invitae), Labcorp
Classification: Uncertain significance for Neurodevelopmental disorder with or without hyperkinetic movements and seizures, autosomal dominant. Last evaluated: 2020-11-13. Review status: criteria provided, single submitter. Criteria: Invitae Variant Classification Sherloc (09022015). Collection method: clinical testing. Allele origin: germline.
Comment: This sequence change affects codon 900 of the GRIN1 mRNA. It is a 'silent' change, meaning that it does not change the encoded amino acid sequence of the GRIN1 protein. This variant also falls at the last nucleotide of exon 19 of the GRIN1 coding sequence, which is part of the consensus splice site for this exon. This variant is not present in population databases (ExAC no frequency). This variant has not been reported in the literature in individuals with GRIN1-related disease. Nucleotide substitutions within the consensus splice site are a relatively common cause of aberrant splicing (PMID: 17576681, 9536098). Algorithms developed to predict the effect of sequence changes on RNA splicing suggest that this variant may disrupt the consensus splice site, but this prediction has not been confirmed by published transcriptional studies. In summary, the available evidence is currently insufficient to determine the role of this variant in disease. Therefore, it has been classified as a Variant of Uncertain Significance.

Literature cited by the submitters: PubMed 17576681; PubMed 9536098.